The following is an entry in ClinVar:

NM_001042492.3(NF1):c.2856A>C (p.Leu952Phe)

Gene: NF1 (neurofibromin 1; plus strand). Cytogenetic location: 17q11.2.
Variant type: single nucleotide variant.
Coding change: c.2856A>C on transcript NM_001042492.3 (MANE Select); coding-DNA position 2856, A replaced by C.
Protein change: p.Leu952Phe; replaces leucine 952 with phenylalanine.
Molecular consequence: missense variant.
Genome position (GRCh38, 1-based): chr17:31,229,840, A>C. VCF-style: chr17-31229840-A-C. GRCh37 (hg19) VCF-style: chr17-29556858-A-C.
Other names: c.2856A>C, p.Leu952Phe (NM_000267.4); short protein forms L952F.
Identifiers: ClinVar variation 481933 (VCV000481933.13), dbSNP rs750488772, ClinGen allele CA398985967.

ClinVar aggregate classification (germline): Uncertain significance. Review status: criteria provided, multiple submitters, no conflicts (2 of 4 stars). 4 submissions from 4 submitters: Uncertain significance (4). Last evaluated 2025-09-10.

Conditions:
Cardiovascular phenotype. Identifiers: MedGen CN230736.
Hereditary cancer-predisposing syndrome. Also called: Hereditary neoplastic syndrome; Neoplastic Syndromes, Hereditary; Tumor predisposition; Hereditary Cancer Syndrome. Identifiers: Orphanet 140162, MedGen C0027672, MeSH D009386, MONDO:0015356.
Neurofibromatosis, type 1 (NF1). Also called: VON RECKLINGHAUSEN DISEASE; Peripheral type neurofibromatosis; NEUROFIBROMATOSIS, TYPE I, SOMATIC; Neurofibromatosis, type I. Identifiers: Orphanet 636, MedGen C0027831, MONDO:0018975, OMIM 162200. Disease mechanism: loss of function.

Allele frequency attached by ClinVar (database versions not stated): gnomAD 0.00003.
gnomAD v4.1: 2 of 1,611,614 alleles (0.00012%); highest among the groups gnomAD compares: Non-Finnish European, 0.00017%; no homozygotes.

Submissions (4):

Ambry Genetics
Classification: Uncertain significance for Cardiovascular phenotype; Hereditary cancer-predisposing syndrome. Last evaluated: 2025-09-10. Review status: criteria provided, single submitter. Criteria: Ambry Variant Classification Scheme 2023. Collection method: clinical testing. Allele origin: germline.
Comment: The p.L952F variant (also known as c.2856A>C), located in coding exon 22 of the NF1 gene, results from an A to C substitution at nucleotide position 2856. The leucine at codon 952 is replaced by phenylalanine, an amino acid with highly similar properties. This amino acid position is well conserved in available vertebrate species. In addition, this alteration is predicted to be tolerated by in silico analysis. Since supporting evidence is limited at this time, the clinical significance of this alteration remains unclear.

Labcorp Genetics (formerly Invitae), Labcorp
Classification: Uncertain significance for Neurofibromatosis, type 1. Last evaluated: 2025-07-14. Review status: criteria provided, single submitter. Criteria: Invitae Variant Classification Sherloc (09022015). Collection method: clinical testing. Allele origin: germline.
Comment: This sequence change replaces leucine, which is neutral and non-polar, with phenylalanine, which is neutral and non-polar, at codon 952 of the NF1 protein (p.Leu952Phe). This variant is present in population databases (no rsID available, gnomAD 0.007%). This variant has not been reported in the literature in individuals affected with NF1-related conditions. ClinVar contains an entry for this variant (Variation ID: 481933). Invitae Evidence Modeling of protein sequence and biophysical properties (such as structural, functional, and spatial information, amino acid conservation, physicochemical variation, residue mobility, and thermodynamic stability) indicates that this missense variant is not expected to disrupt NF1 protein function with a negative predictive value of 95%. In summary, the available evidence is currently insufficient to determine the role of this variant in disease. Therefore, it has been classified as a Variant of Uncertain Significance.

GeneDx
Classification: Uncertain significance. Last evaluated: 2023-07-19. Review status: criteria provided, single submitter. Criteria: GeneDx Variant Classification Process June 2021. Collection method: clinical testing. Allele origin: germline. Affected: yes.
Comment: In silico analysis supports that this missense variant does not alter protein structure/function; Has not been previously published as pathogenic or benign to our knowledge; This variant is associated with the following publications: (PMID: 25486365, 2121369)

Genome-Nilou Lab
Classification: Uncertain significance for Neurofibromatosis, type 1. Last evaluated: 2022-03-15. Review status: criteria provided, single submitter. Criteria: ACMG Guidelines, 2015. Collection method: clinical testing. Allele origin: germline. Affected: no.